The following is an entry in ClinVar:

ClinVar aggregate classification (germline): Uncertain significance. Review status: criteria provided, multiple submitters, no conflicts (2 of 4 stars). 2 submissions from 2 submitters: Uncertain significance (2). Last evaluated 2024-07-15.

Conditions:
Perry syndrome. Also called: PARKINSONISM WITH ALVEOLAR HYPOVENTILATION AND MENTAL DEPRESSION. Identifiers: Orphanet 178509, MedGen C1868594, MONDO:0008201, OMIM 168605.
Neuronopathy, distal hereditary motor, type 7B. Also called: LOWER MOTOR NEURON DISEASE, DYNACTIN TYPE; NEURONOPATHY, DISTAL HEREDITARY MOTOR, AUTOSOMAL DOMINANT 14; NEURONOPATHY, DISTAL HEREDITARY MOTOR, HARDING TYPE VIIB; NEUROPATHY, DISTAL HEREDITARY MOTOR, HARDING TYPE VIIB; NEUROPATHY, DISTAL HEREDITARY MOTOR, WITH VOCAL CORD PARALYSIS, HARDING TYPE VIIB; HMN VIIB. Identifiers: Orphanet 139589, MedGen C1843315, MONDO:0011879, OMIM 607641.
Amyotrophic lateral sclerosis type 1 (ALS1). Also called: AMYOTROPHIC LATERAL SCLEROSIS 1, FAMILIAL. Identifiers: Orphanet 803, MedGen C1862939, MONDO:0007103, OMIM 105400.

Allele frequency attached by ClinVar (database versions not stated): gnomAD 0.00001; TOPMed 0.00003.
gnomAD v4.1: 10 of 1,613,724 alleles (0.00062%); highest among the groups gnomAD compares: African/African-American, 0.0013%; no homozygotes.

Submissions (2):

Labcorp Genetics (formerly Invitae), Labcorp
Classification: Uncertain significance for Amyotrophic lateral sclerosis type 1; Neuronopathy, distal hereditary motor, type 7B; Perry syndrome. Last evaluated: 2024-07-15. Review status: criteria provided, single submitter. Criteria: Invitae Variant Classification Sherloc (09022015). Collection method: clinical testing. Allele origin: germline.
Comment: This sequence change falls in intron 9 of the DCTN1 gene. It does not directly change the encoded amino acid sequence of the DCTN1 protein. It affects a nucleotide within the consensus splice site. This variant is present in population databases (no rsID available, gnomAD 0.002%). This variant has not been reported in the literature in individuals affected with DCTN1-related conditions. ClinVar contains an entry for this variant (Variation ID: 447240). Variants that disrupt the consensus splice site are a relatively common cause of aberrant splicing (PMID: 17576681, 9536098). Algorithms developed to predict the effect of sequence changes on RNA splicing suggest that this variant may disrupt the consensus splice site. In summary, the available evidence is currently insufficient to determine the role of this variant in disease. Therefore, it has been classified as a Variant of Uncertain Significance.

Athena Diagnostics
Classification: Uncertain significance. Last evaluated: 2017-03-09. Review status: criteria provided, single submitter. Criteria: Athena Diagnostics Criteria. Collection method: clinical testing. Allele origin: germline.

Literature cited by the submitters: PubMed 17576681 (cited by Labcorp Genetics (formerly Invitae), Labcorp); PubMed 9536098 (cited by Labcorp Genetics (formerly Invitae), Labcorp).

NM_004082.5(DCTN1):c.843+5G>T

Gene: DCTN1 (dynactin subunit 1; minus strand). Cytogenetic location: 2p13.1.
Variant type: single nucleotide variant.
Coding change: c.843+5G>T on transcript NM_004082.5 (MANE Select); 5 bases into the intron after coding-DNA position 843, G replaced by T.
Molecular consequence: intron variant.
Genome position (GRCh38, 1-based): chr2:74,370,974, C>A on the plus strand (G>T on the coding strand, the complement: DCTN1 is on the minus strand). VCF-style: chr2-74370974-C-A. GRCh37 (hg19) VCF-style: chr2-74598101-C-A.
Other names: c.732+5G>T (NM_001190836.2); c.774+5G>T (NM_001378992.1); c.792+5G>T (NM_001378991.1); c.783+5G>T (NM_001135040.3); c.822+5G>T (NM_001190837.2); c.441+5G>T (NM_001135041.3, NM_023019.4).
Identifiers: ClinVar variation 447240 (VCV000447240.9), dbSNP rs757238618, ClinGen allele CA534127103.